The following is an entry in ClinVar:

NM_016011.5(MECR):c.285A>T (p.Gly95=)

Gene: MECR (mitochondrial trans-2-enoyl-CoA reductase; minus strand). Cytogenetic location: 1p35.3.
Variant type: single nucleotide variant.
Coding change: c.285A>T on transcript NM_016011.5 (MANE Select); coding-DNA position 285, A replaced by T.
Protein change: p.Gly95=; no amino-acid change (glycine 95 retained).
Molecular consequence: synonymous variant. On other transcripts: non-coding transcript variant (4).
Genome position (GRCh38, 1-based): chr1:29,216,126, T>A on the plus strand (A>T on the coding strand, the complement: MECR is on the minus strand). VCF-style: chr1-29216126-T-A. GRCh37 (hg19) VCF-style: chr1-29542638-T-A.
Other names: c.57A>T, p.Gly19= (NM_001024732.4, NM_001349711.2, NM_001349712.2 and 2 more transcripts); c.390A>T, p.Gly130= (NM_001349715.2); c.369A>T, p.Gly123= (NM_001349716.2); c.135A>T, p.Gly45= (NM_001349717.2).
Identifiers: ClinVar variation 3041745 (VCV003041745.4), dbSNP rs144286650, ClinGen allele CA725836.

ClinVar aggregate classification (germline): Likely benign. Review status: criteria provided, single submitter (1 of 4 stars). 2 submissions from 2 submitters: Likely benign (1). 1 of the submissions does not count toward it. Last evaluated 2026-09-01.

Conditions:
MECR-related disorder. Also called: MECR-related condition.

Allele frequency attached by ClinVar (database versions not stated): gnomAD 0.00010; ExAC 0.00015; gnomAD exomes 0.00016.
gnomAD v4.1: 255 of 1,613,190 alleles (0.016%); highest among the groups gnomAD compares: Non-Finnish European, 0.019%; no homozygotes.

Submissions (2):

CeGaT Center for Human Genetics Tuebingen
Classification: Likely benign. Last evaluated: 2026-09-01. Review status: criteria provided, single submitter. Criteria: CeGaT Center For Human Genetics Tuebingen Variant Classification Criteria Version 2. Collection method: clinical testing. Allele origin: germline. Affected: yes. Observed: 2 variant alleles.
Comment: MECR: BP4, BP7

PreventionGenetics, part of Exact Sciences
Classification: Likely benign for MECR-related condition. Last evaluated: 2019-05-06. Review status: no assertion criteria provided. Collection method: clinical testing. Allele origin: germline. Not counted in ClinVar's aggregate classification.
Comment: This variant is classified as likely benign based on ACMG/AMP sequence variant interpretation guidelines (Richards et al. 2015 PMID: 25741868, with internal and published modifications).